The following is an entry in ClinVar:

ClinVar aggregate classification (germline): Likely benign (1 of 4 stars; one submission).

Conditions:
Agammaglobulinemia 5, autosomal dominant (AGM5). Also called: AGAMMAGLOBULINEMIA, AUTOSOMAL DOMINANT, DUE TO LRRC8A DEFECT. Identifiers: MedGen C3150753, MONDO:0013290, OMIM 613506.

Submission:

Centre for Medical Genetics,  Mumbai
Classification: Likely benign for Agammaglobulinemia 5, autosomal dominant. Last evaluated: 2026-02-26. Review status: criteria provided, single submitter. Criteria: ACMG Guidelines, 2015. Collection method: provider interpretation. Allele origin: germline. Inheritance: Autosomal dominant inheritance. Affected: no. Observed: 1 variant allele, 1 heterozygote.
Comment: The variant satisfies PM2 criteria; Extremely low frequency in gnomAD population databases. The variant satisfies PP2 criteria; Missense variant in a gene with low rate of benign missense mutations and for which missense mutation is a common mechanism of a disease. The variant satisfies BP4 criteria; For a missense or a splice region variant, computational prediction tools unanimously support a benign effect on the gene. However, the variant satisfies BS2 criteria.

Literature cited by the submitters: PubMed 14660746.

NM_019594.4(LRRC8A):c.580A>T (p.Met194Leu)

Gene: LRRC8A (leucine rich repeat containing 8 VRAC subunit A; plus strand). Cytogenetic location: 9q34.11.
Variant type: single nucleotide variant.
Coding change: c.580A>T on transcript NM_019594.4 (MANE Select); coding-DNA position 580, A replaced by T.
Protein change: p.Met194Leu; replaces methionine 194 with leucine.
Molecular consequence: missense variant.
Genome position (GRCh38, 1-based): chr9:128,907,744, A>T. VCF-style: chr9-128907744-A-T. GRCh37 (hg19) VCF-style: chr9-131670023-A-T.
Other names: c.580A>T, p.Met194Leu (NM_001127244.2, NM_001127245.2); short protein forms M194L.
Identifiers: ClinVar variation 4819243 (VCV004819243.1).